The following is an entry in ClinVar:

NM_004171.4(SLC1A2):c.1180G>A (p.Ala394Thr)

Gene: SLC1A2 (solute carrier family 1 member 2; minus strand). Cytogenetic location: 11p13.
Variant type: single nucleotide variant.
Coding change: c.1180G>A on transcript NM_004171.4 (MANE Select); coding-DNA position 1180, G replaced by A.
Protein change: p.Ala394Thr; replaces alanine 394 with threonine.
Molecular consequence: missense variant.
Genome position (GRCh38, 1-based): chr11:35,286,863, C>T on the plus strand (G>A on the coding strand, the complement: SLC1A2 is on the minus strand). VCF-style: chr11-35286863-C-T. GRCh37 (hg19) VCF-style: chr11-35308410-C-T.
Other names: c.1153G>A, p.Ala385Thr (NM_001195728.3, NM_001252652.2); c.1180G>A (NM_004171.3); short protein forms A385T, A394T.
Identifiers: ClinVar variation 1434216 (VCV001434216.7), dbSNP rs746687764, ClinGen allele CA5947136.

ClinVar aggregate classification (germline): Uncertain significance. Review status: criteria provided, multiple submitters, no conflicts (2 of 4 stars). 2 submissions from 2 submitters: Uncertain significance (2). Last evaluated 2025-07-09.

Conditions:
Inborn genetic diseases. Identifiers: MedGen C0950123, MeSH D030342.

Allele frequency attached by ClinVar (database versions not stated): ExAC 0.00001; gnomAD exomes 0.00001 and 0.00002; TOPMed 0.00001.

Submissions (2):

Labcorp Genetics (formerly Invitae), Labcorp
Classification: Uncertain significance. Last evaluated: 2025-07-09. Review status: criteria provided, single submitter. Criteria: Invitae Variant Classification Sherloc (09022015). Collection method: clinical testing. Allele origin: germline.
Comment: This sequence change replaces alanine, which is neutral and non-polar, with threonine, which is neutral and polar, at codon 394 of the SLC1A2 protein (p.Ala394Thr). This variant is present in population databases (rs746687764, gnomAD 0.01%). This variant has not been reported in the literature in individuals affected with SLC1A2-related conditions. ClinVar contains an entry for this variant (Variation ID: 1434216). Invitae Evidence Modeling of protein sequence and biophysical properties (such as structural, functional, and spatial information, amino acid conservation, physicochemical variation, residue mobility, and thermodynamic stability) indicates that this missense variant is not expected to disrupt SLC1A2 protein function with a negative predictive value of 80%. In summary, the available evidence is currently insufficient to determine the role of this variant in disease. Therefore, it has been classified as a Variant of Uncertain Significance.

Ambry Genetics
Classification: Uncertain significance for Inborn genetic diseases. Last evaluated: 2024-12-02. Review status: criteria provided, single submitter. Criteria: Ambry Variant Classification Scheme 2023. Collection method: clinical testing. Allele origin: germline.